The following is an entry in ClinVar:

ClinVar aggregate classification (germline): Benign (1 of 4 stars; one submission).

Allele frequency attached by ClinVar (database versions not stated): gnomAD exomes 0.08386; TOPMed 0.18056; 1000 Genomes Project 0.19888; 1000 Genomes Project 30x 0.20753.
gnomAD v4.1: 26,170 of 169,292 alleles (15%); highest among the groups gnomAD compares: African/African-American, 34%; 3,180 homozygotes.

Submission:

GeneDx
Classification: Benign. Last evaluated: 2018-06-19. Review status: criteria provided, single submitter. Criteria: GeneDx Variant Classification (06012015). Collection method: clinical testing. Allele origin: germline. Affected: yes.
Comment: This variant is considered likely benign or benign based on one or more of the following criteria: it is a conservative change, it occurs at a poorly conserved position in the protein, it is predicted to be benign by multiple in silico algorithms, and/or has population frequency not consistent with disease.

NM_012434.5(SLC17A5):c.819+288A>T

Gene: SLC17A5 (solute carrier family 17 member 5; minus strand). Cytogenetic location: 6q13.
Variant type: single nucleotide variant.
Coding change: c.819+288A>T on transcript NM_012434.5 (MANE Select); 288 bases into the intron after coding-DNA position 819, A replaced by T.
Molecular consequence: intron variant.
Genome position (GRCh38, 1-based): chr6:73,635,094, T>A on the plus strand (A>T on the coding strand, the complement: SLC17A5 is on the minus strand). VCF-style: chr6-73635094-T-A. GRCh37 (hg19) VCF-style: chr6-74344817-T-A.
Identifiers: ClinVar variation 672083 (VCV000672083.1), dbSNP rs635752, ClinGen allele CA140971746.